The following is an entry in ClinVar:

NM_003803.4(MYOM1):c.2086C>T (p.Arg696Cys)

Gene: MYOM1 (myomesin 1; minus strand). Cytogenetic location: 18p11.31.
Variant type: single nucleotide variant.
Coding change: c.2086C>T on transcript NM_003803.4 (MANE Select); coding-DNA position 2086, C replaced by T.
Protein change: p.Arg696Cys; replaces arginine 696 with cysteine.
Molecular consequence: missense variant.
Genome position (GRCh38, 1-based): chr18:3,135,670, G>A on the plus strand (C>T on the coding strand, the complement: MYOM1 is on the minus strand). VCF-style: chr18-3135670-G-A. GRCh37 (hg19) VCF-style: chr18-3135668-G-A.
Other names: c.2086C>T, p.Arg696Cys (NM_019856.2); short protein forms R696C.
Identifiers: ClinVar variation 454435 (VCV000454435.10), dbSNP rs757565820, ClinGen allele CA8874748.

ClinVar aggregate classification (germline): Uncertain significance. Review status: criteria provided, multiple submitters, no conflicts (2 of 4 stars). 2 submissions from 2 submitters: Uncertain significance (2). Last evaluated 2025-12-27.

Conditions:
Hypertrophic cardiomyopathy. Also called: HYPERTROPHIC MYOCARDIOPATHY. Identifiers: Orphanet 217569, MedGen C0007194, MeSH D002312, MONDO:0005045, HP:0001639.

Allele frequency attached by ClinVar (database versions not stated): ExAC 0.00001; TOPMed 0.00001; gnomAD exomes 0.00002.
gnomAD v4.1: 15 of 1,613,898 alleles (0.00093%); highest among the groups gnomAD compares: South Asian, 0.0055%; no homozygotes.

Submissions (2):

Labcorp Genetics (formerly Invitae), Labcorp
Classification: Uncertain significance for Hypertrophic cardiomyopathy. Last evaluated: 2025-12-27. Review status: criteria provided, single submitter. Criteria: Invitae Variant Classification Sherloc (09022015). Collection method: clinical testing. Allele origin: germline.
Comment: This sequence change replaces arginine, which is basic and polar, with cysteine, which is neutral and slightly polar, at codon 696 of the MYOM1 protein (p.Arg696Cys). This variant is present in population databases (rs757565820, gnomAD 0.006%). This variant has not been reported in the literature in individuals affected with MYOM1-related conditions. ClinVar contains an entry for this variant (Variation ID: 454435). Invitae Evidence Modeling of protein sequence and biophysical properties (such as structural, functional, and spatial information, amino acid conservation, physicochemical variation, residue mobility, and thermodynamic stability) indicates that this missense variant is expected to disrupt MYOM1 protein function with a positive predictive value of 80%. In summary, the available evidence is currently insufficient to determine the role of this variant in disease. Therefore, it has been classified as a Variant of Uncertain Significance.

Stanford Center for Inherited Cardiovascular Disease, Stanford University
Classification: Uncertain significance. Last evaluated: 2017-05-30. Review status: criteria provided, single submitter. Criteria: ACMG Guidelines, 2015. Collection method: provider interpretation. Allele origin: germline.